The following is an entry in ClinVar:

ClinVar aggregate classification (germline): Pathogenic (1 of 4 stars; one submission).

Submission:

Labcorp Genetics (formerly Invitae), Labcorp
Classification: Pathogenic. Last evaluated: 2022-07-11. Review status: criteria provided, single submitter. Criteria: Invitae Variant Classification Sherloc (09022015). Collection method: clinical testing. Allele origin: germline.
Comment: For these reasons, this variant has been classified as Pathogenic. This variant disrupts a region of the KCNV2 protein in which other variant(s) (p.Leu469Trpfs*35) have been determined to be pathogenic (PMID: 18400204). This suggests that this is a clinically significant region of the protein, and that variants that disrupt it are likely to be disease-causing. This sequence change creates a premature translational stop signal (p.Val432Glyfs*66) in the KCNV2 gene. While this is not anticipated to result in nonsense mediated decay, it is expected to disrupt the last 114 amino acid(s) of the KCNV2 protein. This variant is not present in population databases (gnomAD no frequency). This variant has not been reported in the literature in individuals affected with KCNV2-related conditions. ClinVar contains an entry for this variant (Variation ID: 861935).

Literature cited by the submitters: PubMed 18400204.

NM_133497.4(KCNV2):c.1295_1296del (p.Val432fs)

Gene: KCNV2 (potassium voltage-gated channel modifier subfamily V member 2; plus strand). Cytogenetic location: 9p24.2.
Variant type: Microsatellite.
Coding change: c.1295_1296del on transcript NM_133497.4 (MANE Select); coding-DNA positions 1295 to 1296, 2 bases deleted (TG; older notation c.1295_1296delTG).
Protein change: p.Val432fs; shifts the reading frame from valine 432.
Molecular consequence: frameshift variant.
Genome position (GRCh38, 1-based): chr9:2,719,034-2,719,035, TG deleted; deleting any 2 consecutive bases within chr9:2,719,032-2,719,035 gives the same sequence; the c. name uses the placement nearest the transcript's 3' end. VCF-style (leftmost placement, unchanged base first): chr9-2719031-CTG-C. GRCh37 (hg19) VCF-style: chr9-2719031-CTG-C.
Other names: short protein forms V432fs.
Identifiers: ClinVar variation 861935 (VCV000861935.7), dbSNP rs1318199256, ClinGen allele CA862717229.